The following is an entry in ClinVar:

NM_001365276.2(TNXB):c.6024A>G (p.Thr2008=)

Gene: TNXB (tenascin XB; minus strand). Cytogenetic location: 6p21.33.
Variant type: single nucleotide variant.
Coding change: c.6024A>G on transcript NM_001365276.2 (MANE Select); coding-DNA position 6024, A replaced by G.
Protein change: p.Thr2008=; no amino-acid change (threonine 2008 retained).
Molecular consequence: synonymous variant.
Genome position (GRCh38, 1-based): chr6:32,068,586, T>C on the plus strand (A>G on the coding strand, the complement: TNXB is on the minus strand). VCF-style: chr6-32068586-T-C. GRCh37 (hg19) VCF-style: chr6-32036363-T-C.
Other names: p.Thr2008=; c.6024A>G, p.Thr2008= (NM_019105.8).
Identifiers: ClinVar variation 1178595 (VCV001178595.9), dbSNP rs61744966, ClinGen allele CA3734548.

ClinVar aggregate classification (germline): Benign/Likely benign. Review status: criteria provided, multiple submitters, no conflicts (2 of 4 stars). 7 submissions from 7 submitters: Benign (5); Likely benign (2). Last evaluated 2026-02-01.

Conditions:
Cardiovascular phenotype. Identifiers: MedGen CN230736.
Ehlers-Danlos syndrome due to tenascin-X deficiency (EDSCLL1). Also called: EHLERS-DANLOS SYNDROME, CLASSIC-LIKE; Ehlers-Danlos syndrome, classic-like, 1; TNXB-Related Classical-Like Ehlers-Danlos Syndrome; EDS DUE TO TNX DEFICIENCY; TNX DEFICIENCY. Identifiers: Orphanet 230839, MedGen C1848029, MONDO:0011670, OMIM 606408.
Vesicoureteral reflux 8 (VUR8). Identifiers: Orphanet 289365, MedGen C4014831, MONDO:0014422, OMIM 615963.

Allele frequency attached by ClinVar (database versions not stated): gnomAD exomes 0.00258; ExAC 0.00292; gnomAD 0.00962 and 0.01027; 1000 Genomes Project 0.00978; ESP Exome Variant Server 0.01006; TOPMed 0.01043; 1000 Genomes Project 30x 0.01124.

Submissions (7):

Labcorp Genetics (formerly Invitae), Labcorp
Classification: Benign. Last evaluated: 2026-02-01. Review status: criteria provided, single submitter. Criteria: Invitae Variant Classification Sherloc (09022015). Collection method: clinical testing. Allele origin: germline.

Women's Health and Genetics/Laboratory Corporation of America, LabCorp
Classification: Benign. Last evaluated: 2026-01-22. Review status: criteria provided, single submitter. Criteria: LabCorp Variant Classification Summary - May 2015. Collection method: clinical testing. Allele origin: germline.

Mayo Clinic Laboratories, Mayo Clinic
Classification: Benign. Last evaluated: 2023-04-26. Review status: criteria provided, single submitter. Criteria: ACMG Guidelines, 2015. Collection method: clinical testing. Allele origin: germline. Observed: 8 variant alleles.
Comment: BS1, BS2, BP4, BP7

Fulgent Genetics
Classification: Benign for Ehlers-Danlos syndrome due to tenascin-X deficiency; Vesicoureteral reflux 8. Last evaluated: 2021-09-01. Review status: criteria provided, single submitter. Criteria: ACMG Guidelines, 2015. Collection method: clinical testing. Allele origin: unknown.

GeneDx
Classification: Likely benign. Last evaluated: 2021-01-04. Review status: criteria provided, single submitter. Criteria: GeneDx Variant Classification Process June 2021. Collection method: clinical testing. Allele origin: germline. Affected: yes.

Ambry Genetics
Classification: Benign for Cardiovascular phenotype. Last evaluated: 2019-03-29. Review status: criteria provided, single submitter. Criteria: Ambry Variant Classification Scheme 2023. Collection method: clinical testing. Allele origin: germline.

Breakthrough Genomics
Classification: Likely benign. Review status: criteria provided, single submitter. Criteria: ACMG Guidelines, 2015. Collection method: not provided. Allele origin: germline. Inheritance: Autosomal recessive inheritance. Affected: yes.